The following is an entry in ClinVar:

ClinVar aggregate classification (germline): Conflicting classifications of pathogenicity. Review status: criteria provided, conflicting classifications (1 of 4 stars). 7 submissions from 6 submitters: Uncertain significance (1); Benign (3); Likely benign (1). 2 of the submissions do not count toward it. Last evaluated 2026-01-29.

Conditions:
Retinitis pigmentosa (RP). Identifiers: Orphanet 791, MedGen C0035334, MeSH D012174, MONDO:0019200, OMIM 268000. Inheritance: Autosomal dominant, autosomal recessive and X linked inheritance.
Congenital stationary night blindness autosomal dominant 2. Also called: NIGHT BLINDNESS, CONGENITAL STATIONARY, RAMBUSCH TYPE. Identifiers: Orphanet 215, MedGen C1876182, MONDO:0008099, OMIM 163500.

Allele frequency attached by ClinVar (database versions not stated): gnomAD exomes 0.00046 and 0.00100; ExAC 0.00184; ESP Exome Variant Server 0.00394; gnomAD 0.00396 and 0.00422; TOPMed 0.00477; 1000 Genomes Project 0.00619; 1000 Genomes Project 30x 0.00703.
gnomAD v4.1: 1,284 of 1,603,690 alleles (0.08%); highest among the groups gnomAD compares: African/African-American, 1.4%; 10 homozygotes.

Submissions (7):

Labcorp Genetics (formerly Invitae), Labcorp
Classification: Benign. Last evaluated: 2026-01-29. Review status: criteria provided, single submitter. Criteria: Invitae Variant Classification Sherloc (09022015). Collection method: clinical testing. Allele origin: germline.

Blueprint Genetics
Classification: Likely benign. Last evaluated: 2024-10-18. Review status: criteria provided, single submitter. Criteria: ACMG Guidelines, 2015. Collection method: clinical testing. Allele origin: germline.

ARUP Laboratories, Molecular Genetics and Genomics, ARUP Laboratories
Classification: Benign. Last evaluated: 2019-10-21. Review status: criteria provided, single submitter. Criteria: ARUP Molecular Germline Variant Investigation Process. Collection method: clinical testing. Allele origin: germline.

Illumina Laboratory Services, Illumina
Classification: Benign for Congenital stationary night blindness autosomal dominant 2. Last evaluated: 2018-01-13. Review status: criteria provided, single submitter. Criteria: ICSL Variant Classification Criteria 13 December 2019. Collection method: clinical testing. Allele origin: germline.
Comment: This variant was observed in the ICSL laboratory as part of a predisposition screen in an ostensibly healthy population. It had not been previously curated by ICSL or reported in the Human Gene Mutation Database (HGMD: prior to June 1st, 2018), and was therefore a candidate for classification through an automated scoring system. Utilizing variant allele frequency, disease prevalence and penetrance estimates, and inheritance mode, an automated score was calculated to assess if this variant is too frequent to cause the disease. Based on the score and internal cut-off values, a variant classified as benign is not then subjected to further curation. The score for this variant resulted in a classification of benign for this disease.

Illumina Laboratory Services, Illumina
Classification: Uncertain significance for Retinitis pigmentosa. Last evaluated: 2018-01-13. Review status: criteria provided, single submitter. Criteria: ICSL Variant Classification Criteria 13 December 2019. Collection method: clinical testing. Allele origin: germline.

Clinical Genetics DNA and cytogenetics Diagnostics Lab, Erasmus MC, Erasmus Medical Center
Classification: Benign. Review status: no assertion criteria provided. Collection method: clinical testing. Allele origin: germline. Affected: yes. Study: VKGL Data-share Consensus. Not counted in ClinVar's aggregate classification.

Clinical Genetics, Academic Medical Center
Classification: Benign. Review status: no assertion criteria provided. Collection method: clinical testing. Allele origin: germline. Affected: yes. Study: VKGL Data-share Consensus. Not counted in ClinVar's aggregate classification.

NM_000283.4(PDE6B):c.270C>T (p.Asp90=)

Gene: PDE6B (phosphodiesterase 6B; plus strand). Cytogenetic location: 4p16.3.
Variant type: single nucleotide variant.
Coding change: c.270C>T on transcript NM_000283.4 (MANE Select); coding-DNA position 270, C replaced by T.
Protein change: p.Asp90=; no amino-acid change (aspartic acid 90 retained).
Molecular consequence: synonymous variant.
Genome position (GRCh38, 1-based): chr4:625,896, C>T. VCF-style: chr4-625896-C-T. GRCh37 (hg19) VCF-style: chr4-619685-C-T.
Other names: c.270C>T, p.Asp90= (NM_001145291.2).
Identifiers: ClinVar variation 349292 (VCV000349292.27), dbSNP rs80344633, ClinGen allele CA2793894.